The following is an entry in ClinVar:

ClinVar aggregate classification (germline): Likely pathogenic (0 of 4 stars; one submission).

Conditions:
Spastic ataxia 5. Also called: Spastic Ataxia Type 5 (SPAX5). Identifiers: Orphanet 313772, MedGen C3280977, MONDO:0013776, OMIM 614487.

Submission:

Foundation for Research in Genetics and Endocrinology, FRIGE's Institute of Human Genetics
Classification: Likely pathogenic for Spastic ataxia 5. Last evaluated: 2016-01-01. Review status: no assertion criteria provided. Collection method: clinical testing. Allele origin: germline. Inheritance: Autosomal recessive inheritance. Affected: yes. Observed: 1 variant allele, 1 homozygote.
Comment: Variant c.1951A>G(p.R651G) was found to be pathogenic by Polyphen2 and SIFT software.

NM_006796.3(AFG3L2):c.1951A>G (p.Arg651Gly)

Gene: AFG3L2 (AFG3 like matrix AAA peptidase subunit 2; minus strand). Cytogenetic location: 18p11.21.
Variant type: single nucleotide variant.
Coding change: c.1951A>G on transcript NM_006796.3 (MANE Select); coding-DNA position 1951, A replaced by G.
Protein change: p.Arg651Gly; replaces arginine 651 with glycine.
Molecular consequence: missense variant.
Genome position (GRCh38, 1-based): chr18:12,340,230, T>C on the plus strand (A>G on the coding strand, the complement: AFG3L2 is on the minus strand). VCF-style: chr18-12340230-T-C. GRCh37 (hg19) VCF-style: chr18-12340229-T-C.
Other names: short protein forms R651G.
Identifiers: ClinVar variation 374935 (VCV000374935.2), dbSNP rs764254189, ClinGen allele CA16043984.
Genomic context (GRCh38, chr18:12,340,230, plus strand): 5'-GAGGAGGAAATGCACTCTTTCATATACTCACTTGGGCATATGCACTCTGAGTTACTTTTC[T>C]CAAGTCATCTTGAGCACCAGTTGTAATTCTTCCAAAGAAGATTTCTTCAGAGACTCGACC-3'
Protein context (NP_006787.2, residues 641-661): RITTGAQDDL[Arg651Gly]KVTQSAYAQI